The following is an entry in ClinVar:

ClinVar aggregate classification (germline): Pathogenic (1 of 4 stars; one submission).

Conditions:
Diastrophic dysplasia (DTD). Also called: Diastrophic dwarfism. Identifiers: Orphanet 628, MedGen C0220726, MONDO:0009107, OMIM 222600.
Multiple epiphyseal dysplasia type 4 (EDM4). Also called: Multiple Epiphyseal Dysplasia, Recessive; MULTIPLE EPIPHYSEAL DYSPLASIA WITH BILAYERED PATELLAE; MULTIPLE EPIPHYSEAL DYSPLASIA WITH CLUBFOOT; MULTIPLE EPIPHYSEAL DYSPLASIA, AUTOSOMAL RECESSIVE; SLC26A2-Related Multiple Epiphyseal Dysplasia. Identifiers: Orphanet 93307, MedGen C1847593, MONDO:0009189, OMIM 226900.
Achondrogenesis, type IB (ACG1B). Also called: Achondrogenesis Type 1B. Identifiers: Orphanet 932, Orphanet 93298, MedGen C0265274, MONDO:0010966, OMIM 600972.
Atelosteogenesis type II (AO2). Also called: NEONATAL OSSEOUS DYSPLASIA I; Neonatal osseous dysplasia 1; SLC26A2-Related Atelosteogenesis. Identifiers: Orphanet 56304, MedGen C1850554, MONDO:0009727, OMIM 256050.

Submission:

Labcorp Genetics (formerly Invitae), Labcorp
Classification: Pathogenic for Atelosteogenesis type II; Multiple epiphyseal dysplasia type 4; Achondrogenesis, type IB; Diastrophic dysplasia. Last evaluated: 2024-02-22. Review status: criteria provided, single submitter. Criteria: Invitae Variant Classification Sherloc (09022015). Collection method: clinical testing. Allele origin: germline.
Comment: This sequence change creates a premature translational stop signal (p.Leu116*) in the SLC26A2 gene. It is expected to result in an absent or disrupted protein product. Loss-of-function variants in SLC26A2 are known to be pathogenic (PMID: 7923357, 10482955, 11241838). This variant is not present in population databases (gnomAD no frequency). This variant has not been reported in the literature in individuals affected with SLC26A2-related conditions. For these reasons, this variant has been classified as Pathogenic.

Literature cited by the submitters: PubMed 7923357; PubMed 10482955; PubMed 11241838.

NM_000112.4(SLC26A2):c.347del (p.Gly115_Leu116insTer)

Gene: SLC26A2 (solute carrier family 26 member 2; plus strand). Cytogenetic location: 5q32.
Variant type: Deletion.
Coding change: c.347del on transcript NM_000112.4 (MANE Select); coding-DNA position 347, one base deleted (T; older notation c.347delT).
Protein change: p.Gly115_Leu116insTer.
Molecular consequence: nonsense.
Genome position (GRCh38, 1-based): chr5:149,977,999, T deleted; the last of 2 consecutive T bases (chr5:149,977,998-149,977,999); deleting either gives the same sequence. VCF-style (leftmost placement, unchanged base first): chr5-149977997-CT-C. GRCh37 (hg19) VCF-style: chr5-149357560-CT-C.
Identifiers: ClinVar variation 3754854 (VCV003754854.2).